The following is an entry in ClinVar:

NM_001130987.2(DYSF):c.3105_3106insCAAGATA (p.Ile1036fs)

Gene: DYSF (dysferlin; plus strand). Cytogenetic location: 2p13.2.
Variant type: Insertion.
Coding change: c.3105_3106insCAAGATA on transcript NM_001130987.2 (MANE Select); coding-DNA positions 3105 to 3106, CAAGATA inserted.
Protein change: p.Ile1036fs; shifts the reading frame from isoleucine 1036.
Molecular consequence: frameshift variant.
Genome position: GRCh38 VCF-style: chr2-71570618-C-CCAAGATA. GRCh37 (hg19) VCF-style: chr2-71797748-C-CCAAGATA.
Other names: c.3054_3055insCAAGATA, p.Ile1019fs (NM_001130455.2, NM_001130983.2); c.3009_3010insCAAGATA, p.Ile1004fs (NM_001130976.2, NM_001130977.2); c.3051_3052insCAAGATA, p.Ile1018fs (NM_001130978.2, NM_003494.4); c.3144_3145insCAAGATA, p.Ile1049fs (NM_001130979.2); c.3102_3103insCAAGATA, p.Ile1035fs (NM_001130980.2, NM_001130981.2); c.3147_3148insCAAGATA, p.Ile1050fs (NM_001130982.2); c.3012_3013insCAAGATA, p.Ile1005fs (NM_001130984.2, NM_001130986.2); c.3105_3106insCAAGATA, p.Ile1036fs (NM_001130985.2); short protein forms I1004fs, I1005fs, I1018fs, I1019fs, I1035fs, I1036fs, I1049fs, I1050fs.
Identifiers: ClinVar variation 5011274 (VCV005011274.1).

ClinVar aggregate classification (germline): Pathogenic (1 of 4 stars; one submission).

Conditions:
Autosomal recessive limb-girdle muscular dystrophy. Identifiers: Orphanet 102015, MedGen C2931907, MONDO:0015152.

Submission:

Myriad Genetics, Inc.
Classification: Pathogenic for Autosomal recessive limb-girdle muscular dystrophy. Last evaluated: 2023-08-09. Review status: criteria provided, single submitter. Criteria: Myriad Autosomal Dominant, Autosomal Recessive and X-Linked Classification Criteria (2023). Collection method: clinical testing. Allele origin: unknown.
Comment: NM_003494.3(DYSF):c.3051_3052ins7(I1018Qfs*16) is expected to be pathogenic in the context of dysferlinopathy. This variant is predicted to lead to an abnormal or absent protein product due to the creation of a premature termination codon in DYSF, a gene where loss-of-function variants are known to be pathogenic. Please note: this variant was assessed in the context of healthy population screening.